The following is an entry in ClinVar:

ClinVar aggregate classification (germline): Pathogenic (1 of 4 stars; one submission).

Conditions:
Infantile neuroaxonal dystrophy (NBIA2A). Also called: NEURODEGENERATION WITH BRAIN IRON ACCUMULATION 2A; SEITELBERGER DISEASE; Infantile neuroaxonal dystrophy 1. Identifiers: Orphanet 35069, MedGen C0270724, MONDO:0024457, OMIM 256600.

Submission:

Labcorp Genetics (formerly Invitae), Labcorp
Classification: Pathogenic for Infantile neuroaxonal dystrophy. Last evaluated: 2022-12-09. Review status: criteria provided, single submitter. Criteria: Invitae Variant Classification Sherloc (09022015). Collection method: clinical testing. Allele origin: germline.
Comment: For these reasons, this variant has been classified as Pathogenic. Algorithms developed to predict the effect of sequence changes on RNA splicing suggest that this variant may create or strengthen a splice site. This premature translational stop signal has been observed in individual(s) with infantile neuroaxonal dystrophy (PMID: 24745848). This variant is not present in population databases (gnomAD no frequency). This sequence change creates a premature translational stop signal (p.Lys509Glnfs*5) in the PLA2G6 gene. It is expected to result in an absent or disrupted protein product. Loss-of-function variants in PLA2G6 are known to be pathogenic (PMID: 16783378, 18570303, 18799783, 22213678).

Literature cited by the submitters: PubMed 24745848; PubMed 16783378; PubMed 18570303; PubMed 18799783; PubMed 22213678.

NM_003560.4(PLA2G6):c.1524dup (p.Lys509fs)

Gene: PLA2G6 (phospholipase A2 group VI; minus strand). Cytogenetic location: 22q13.1.
Variant type: Duplication.
Coding change: c.1524dup on transcript NM_003560.4 (MANE Select); coding-DNA position 1524, one base duplicated (C; older notation c.1524dupC).
Protein change: p.Lys509fs; shifts the reading frame from lysine 509.
Molecular consequence: frameshift variant.
Genome position (GRCh38, 1-based): chr22:38,123,162, G duplicated on the plus strand (C on the coding strand, the reverse complement: PLA2G6 is on the minus strand); the first of 2 consecutive G bases (chr22:38,123,162-38,123,163); duplicating either gives the same sequence. VCF-style (leftmost placement, unchanged base first): chr22-38123161-T-TG. GRCh37 (hg19) VCF-style: chr22-38519168-T-TG.
Other names: c.1362dup, p.Lys455fs (NM_001004426.3, NM_001199562.3, NM_001349865.2 and 1 more transcripts); c.1524dup, p.Lys509fs (NM_001349864.2); c.990dup, p.Lys331fs (NM_001349867.2); c.846dup, p.Lys283fs (NM_001349868.2); c.828dup, p.Lys277fs (NM_001349869.2); short protein forms K277fs, K509fs, K455fs, K283fs, K331fs.
Identifiers: ClinVar variation 2737044 (VCV002737044.3), dbSNP rs1172241523, ClinGen allele CA752952740.
Genomic context (GRCh38, chr22:38,123,161, plus strand): 5'-GAATGGCCAGGGCCAGGATGCCTCCAGTGCTGGTGCCCGCCACCCAGTCAAACAGGTCCT[T>TG]GGTGGCCACACCCGAGGCCTTCTCGATGGCGATGAGGAGCTGGATGATGATGAGGCCTTT-3'